The following is an entry in ClinVar:

NM_004370.6(COL12A1):c.3509T>C (p.Val1170Ala)

Gene: COL12A1 (collagen type XII alpha 1 chain; minus strand). Cytogenetic location: 6q13.
Variant type: single nucleotide variant.
Coding change: c.3509T>C on transcript NM_004370.6 (MANE Select); coding-DNA position 3509, T replaced by C.
Protein change: p.Val1170Ala; replaces valine 1170 with alanine.
Molecular consequence: missense variant. On other transcripts: intron variant (2).
Genome position (GRCh38, 1-based): chr6:75,154,472, A>G on the plus strand (T>C on the coding strand, the complement: COL12A1 is on the minus strand). VCF-style: chr6-75154472-A-G. GRCh37 (hg19) VCF-style: chr6-75864188-A-G.
Other names: c.3509T>C, p.Val1170Ala (NM_001424113.1, NM_001424114.1); c.3236T>C, p.Val1079Ala (NM_001424115.1); c.74-1990T>C (NM_001424116.1, NM_080645.3); short protein forms V1079A, V1170A.
Identifiers: ClinVar variation 3758673 (VCV003758673.2).

ClinVar aggregate classification (germline): Uncertain significance (1 of 4 stars; one submission).

Conditions:
Ullrich congenital muscular dystrophy 2 (UCMD2). Identifiers: Orphanet 75840, MedGen C4225314, MONDO:0014654, OMIM 616470.
Bethlem myopathy 2 (BTHLM2). Identifiers: Orphanet 536516, Orphanet 610, MedGen C4225313, MONDO:0034022, OMIM 616471.

Submission:

Labcorp Genetics (formerly Invitae), Labcorp
Classification: Uncertain significance for Bethlem myopathy 2; Ullrich congenital muscular dystrophy 2. Last evaluated: 2024-12-18. Review status: criteria provided, single submitter. Criteria: Invitae Variant Classification Sherloc (09022015). Collection method: clinical testing. Allele origin: germline.
Comment: This sequence change replaces valine, which is neutral and non-polar, with alanine, which is neutral and non-polar, at codon 1170 of the COL12A1 protein (p.Val1170Ala). This variant is not present in population databases (gnomAD no frequency). This variant has not been reported in the literature in individuals affected with COL12A1-related conditions. Invitae Evidence Modeling of protein sequence and biophysical properties (such as structural, functional, and spatial information, amino acid conservation, physicochemical variation, residue mobility, and thermodynamic stability) indicates that this missense variant is not expected to disrupt COL12A1 protein function with a negative predictive value of 80%. In summary, the available evidence is currently insufficient to determine the role of this variant in disease. Therefore, it has been classified as a Variant of Uncertain Significance.